The following is an entry in ClinVar:

NM_012309.5(SHANK2):c.483+6C>T

Gene: SHANK2 (SH3 and multiple ankyrin repeat domains 2; minus strand). Cytogenetic location: 11q13.4.
Variant type: single nucleotide variant.
Coding change: c.483+6C>T on transcript NM_012309.5 (MANE Select); 6 bases into the intron after coding-DNA position 483, C replaced by T.
Molecular consequence: intron variant.
Genome position (GRCh38, 1-based): chr11:71,113,287, G>A on the plus strand (C>T on the coding strand, the complement: SHANK2 is on the minus strand). VCF-style: chr11-71113287-G-A. GRCh37 (hg19) VCF-style: chr11-70824333-G-A.
Other names: c.483+6C>T (NM_012309.4).
Identifiers: ClinVar variation 2277229 (VCV002277229.3), dbSNP rs782465377, ClinGen allele CA6162123.

ClinVar aggregate classification (germline): Likely benign. Review status: criteria provided, multiple submitters, no conflicts (2 of 4 stars). 2 submissions from 2 submitters: Likely benign (2). Last evaluated 2024-11-21.

Conditions:
Inborn genetic diseases. Identifiers: MedGen C0950123, MeSH D030342.
SHANK2-related disorder.

Allele frequency attached by ClinVar (database versions not stated): ExAC 0.00005; 1000 Genomes Project 30x 0.00031.
gnomAD v4.1: 35 of 1,551,462 alleles (0.0023%); highest among the groups gnomAD compares: Admixed American, 0.061%; no homozygotes.

Submissions (2):

PreventionGenetics, part of Exact Sciences
Classification: Likely benign for SHANK2-related condition. Last evaluated: 2024-11-21. Review status: criteria provided, single submitter. Criteria: ACMG Guidelines, 2015. Collection method: clinical testing. Allele origin: germline.
Comment: This variant is classified as likely benign based on ACMG/AMP sequence variant interpretation guidelines (Richards et al. 2015 PMID: 25741868, with internal and published modifications).

Ambry Genetics
Classification: Likely benign for Inborn genetic diseases. Last evaluated: 2022-03-31. Review status: criteria provided, single submitter. Criteria: Ambry Variant Classification Scheme 2023. Collection method: clinical testing. Allele origin: germline.